The following is an entry in ClinVar:

ClinVar aggregate classification (germline): Benign/Likely benign. Review status: criteria provided, multiple submitters, no conflicts (2 of 4 stars). 12 submissions from 12 submitters: Benign (3); Likely benign (6). 3 of the submissions do not count toward it. Last evaluated 2026-01-31.

Conditions:
BRCA1-related disorder. Also called: BRCA1-related condition.
Hereditary cancer-predisposing syndrome. Also called: Hereditary Cancer Syndrome; Neoplastic Syndromes, Hereditary; Hereditary neoplastic syndrome; Tumor predisposition. Identifiers: Orphanet 140162, MedGen C0027672, MeSH D009386, MONDO:0015356.
Breast-ovarian cancer, familial, susceptibility to, 1 (BROVCA1). Also called: BRCA1 Hereditary Breast and Ovarian Cancer; OVARIAN CANCER, SUSCEPTIBILITY TO. Identifiers: Orphanet 145, MedGen C2676676, MONDO:0011450, OMIM 604370. Disease mechanism: loss of function.
Hereditary breast ovarian cancer syndrome. Also called: Hereditary breast and/or ovarian cancer syndrome; Hereditary breast and ovarian cancer syndrome; Hereditary breast and ovarian cancer; Hereditary breast and ovarian cancer syndrome (HBOC); Breast and ovarian cancer; BRCA1- and BRCA2-Associated Hereditary Breast and Ovarian Cancer. Identifiers: Orphanet 145, MedGen C0677776, MeSH D061325, MONDO:0003582. Disease mechanism: loss of function.
Fanconi anemia, complementation group S (FANCS). Identifiers: MedGen C4554406, MONDO:0054748, OMIM 617883.
Familial cancer of breast. Also called: hereditary breast carcinoma; Hereditary breast cancer; BREAST CANCER, FAMILIAL. Identifiers: Orphanet 227535, MedGen C0346153, MONDO:0016419, OMIM 114480. Disease mechanism: loss of function.

Allele frequency attached by ClinVar (database versions not stated): gnomAD exomes 0.00006 and 0.00018; ExAC 0.00032; 1000 Genomes Project 0.00060; gnomAD 0.00065 and 0.00066; ESP Exome Variant Server 0.00069; TOPMed 0.00079; 1000 Genomes Project 30x 0.00094.
gnomAD v4.1: 191 of 1,607,290 alleles (0.012%); highest among the groups gnomAD compares: African/African-American, 0.22%; no homozygotes.

Submissions (13):

Labcorp Genetics (formerly Invitae), Labcorp
Classification: Benign for Hereditary breast ovarian cancer syndrome. Last evaluated: 2026-01-31. Review status: criteria provided, single submitter. Criteria: Invitae Variant Classification Sherloc (09022015). Collection method: clinical testing. Allele origin: germline.

PreventionGenetics, part of Exact Sciences
Classification: Likely benign for BRCA1-related condition. Last evaluated: 2025-12-03. Review status: criteria provided, single submitter. Criteria: ACMG Guidelines, 2015. Collection method: clinical testing. Allele origin: germline.
Comment: This variant is classified as likely benign based on ACMG/AMP sequence variant interpretation guidelines (Richards et al. 2015 PMID: 25741868, with internal and published modifications).

Blueprint Genetics
Classification: Likely benign. Last evaluated: 2024-09-04. Review status: criteria provided, single submitter. Criteria: ACMG Guidelines, 2015. Collection method: clinical testing. Allele origin: germline.

National Health Laboratory Service, Universitas Academic Hospital and University of the Free State
Classification: Likely benign for Hereditary breast ovarian cancer syndrome. Last evaluated: 2021-11-16. Review status: criteria provided, single submitter. Criteria: ACMG Guidelines, 2015. Collection method: clinical testing. Allele origin: germline. Affected: yes. Observed: 1 variant allele.

GeneDx
Classification: Likely benign. Last evaluated: 2021-05-04. Review status: criteria provided, single submitter. Criteria: GeneDx Variant Classification Process June 2021. Collection method: clinical testing. Allele origin: germline. Affected: yes.
Comment: In silico analysis supports a deleterious effect on splicing; This variant is associated with the following publications: (PMID: 21523855, 15829246, 16267036, 30209399)

Sema4
Classification: Benign for Hereditary cancer-predisposing syndrome. Last evaluated: 2021-03-02. Review status: criteria provided, single submitter. Criteria: Sema4 Curation Guidelines. Collection method: curation. Allele origin: germline.

Department of Pathology and Laboratory Medicine, Sinai Health System
Classification: Likely benign for Familial cancer of breast; Breast-ovarian cancer, familial, susceptibility to, 1; Fanconi anemia, complementation group S. Last evaluated: 2020-06-03. Review status: criteria provided, single submitter. Criteria: ACMG Guidelines, 2015. Collection method: clinical testing. Allele origin: germline. Affected: yes.

Women's Health and Genetics/Laboratory Corporation of America, LabCorp
Classification: Benign. Last evaluated: 2016-05-31. Review status: criteria provided, single submitter. Criteria: LabCorp Variant Classification Summary - May 2015. Collection method: clinical testing. Allele origin: germline.
Comment: Variant Summary: This intronic mutation involves the alteration of a nucleotide in the -12 position of intron 3 of BRCA1. The variant is present in the control population at a frequency of 0.03%, but is almost exclusively found in the African subpopulation, with a frequency of 0.3% This frequency is 3-fold the maximal expected allele frequency for a pathogenic variant in BRCA1, which is strong evidence that this is a benign polymorphism present mainly in populatons of African origin. This variant was also observed in trans with a known deleterious BRCA1 variant, further evidence of the benign nature of the variant. Multiple reputable clinical labs/databases have classified the variant as likely benign/benign. In additiona, 5/5 in silico tools via Alamut predict an impact on splicing as do prediction tools used in Mucaki_2011 however these findings have not been supported by functional studies. Taken together, this variant has been classified as benign.

Color Diagnostics, LLC DBA Color Health
Classification: Likely benign for Hereditary cancer-predisposing syndrome. Last evaluated: 2015-03-11. Review status: criteria provided, single submitter. Criteria: ACMG Guidelines, 2015. Collection method: clinical testing. Allele origin: germline.

Counsyl
Classification: Likely benign for Breast-ovarian cancer, familial 1. Last evaluated: 2014-12-30. Review status: no assertion criteria provided. Collection method: literature only. Allele origin: unknown. Inheritance: Autosomal dominant inheritance. Not counted in ClinVar's aggregate classification.

Sharing Clinical Reports Project (SCRP)
Classification: Benign for Breast-ovarian cancer, familial 1. Last evaluated: 2009-12-10. Review status: no assertion criteria provided. Collection method: clinical testing. Allele origin: germline. Not counted in ClinVar's aggregate classification.

Breast Cancer Information Core (BIC) (BRCA1)
Classification: Uncertain significance for Breast-ovarian cancer, familial 1. Last evaluated: 2002-05-29. Review status: no assertion criteria provided. Collection method: clinical testing. Allele origin: germline. Affected: yes. Observed: 9 variant alleles. Not counted in ClinVar's aggregate classification.

Brotman Baty Institute, University of Washington
No classification provided (evidence only). Condition: Breast-ovarian cancer, familial 1. Review status: no classification provided. Collection method: in vitro. Allele origin: not applicable. Functional consequence: functionally_normal. Not counted in ClinVar's aggregate classification.
ClinVar note: "not provided" was previously submitted as the classification for the variant. However, the classification appeared to be based only on an observation of functional data so it was converted to no classification on 2025-07-30.

Literature cited by the submitters: DOI 10.3389/fgene.2022.834265 (cited by National Health Laboratory Service, Universitas Academic Hospital and University of the Free State); PubMed 1589246 (cited by Department of Pathology and Laboratory Medicine, Sinai Health System); PubMed 16267036 (cited by Women's Health and Genetics/Laboratory Corporation of America, LabCorp and Counsyl); PubMed 21523855 (cited by Women's Health and Genetics/Laboratory Corporation of America, LabCorp); PubMed 15829246 (cited by Counsyl).

NM_007294.4(BRCA1):c.81-12C>G

Gene: BRCA1 (BRCA1 DNA repair associated; minus strand). Cytogenetic location: 17q21.31.
Variant type: single nucleotide variant.
Coding change: c.81-12C>G on transcript NM_007294.4 (MANE Select); 12 bases into the intron before coding-DNA position 81, C replaced by G.
Molecular consequence: intron variant.
Genome position (GRCh38, 1-based): chr17:43,115,791, G>C on the plus strand (C>G on the coding strand, the complement: BRCA1 is on the minus strand). VCF-style: chr17-43115791-G-C. GRCh37 (hg19) VCF-style: chr17-41267808-G-C.
Other names: IVS2-12C>G; c.-61-12C>G (NM_001408458.1, NM_001408470.1, NM_001407848.1 and 47 more transcripts); c.-219+9486C>G (NM_001407967.1); c.-170+9486C>G (NM_001407959.1); c.-7-9258C>G (NM_001407931.1, NM_001407747.1, NM_001408511.1 and 2 more transcripts); c.-223-12C>G (NM_001407962.1, NM_001408512.1, NM_001408510.1 and 1 more transcripts); c.-108-12C>G (NM_001407885.1, NM_001407886.1, NM_001408509.1 and 52 more transcripts); c.-177-12C>G (NM_001407746.1, NM_001408468.1, NM_001407842.1 and 13 more transcripts); and 11 more.
Identifiers: ClinVar variation 91666 (VCV000091666.38), dbSNP rs80358055, ClinGen allele CA003898.